The following is an entry in ClinVar:

NM_001113378.2(FANCI):c.2421G>A (p.Met807Ile)

Gene: FANCI (FA complementation group I; plus strand). Cytogenetic location: 15q26.1.
Variant type: single nucleotide variant.
Coding change: c.2421G>A on transcript NM_001113378.2 (MANE Select); coding-DNA position 2421, G replaced by A.
Protein change: p.Met807Ile; replaces methionine 807 with isoleucine.
Molecular consequence: missense variant.
Genome position (GRCh38, 1-based): chr15:89,293,962, G>A. VCF-style: chr15-89293962-G-A. GRCh37 (hg19) VCF-style: chr15-89837193-G-A.
Other names: c.2142G>A, p.Met714Ile (NM_001376910.1); c.2421G>A, p.Met807Ile (NM_001376911.1, NM_018193.3); short protein forms M807I, M714I.
Identifiers: ClinVar variation 1491138 (VCV001491138.8), dbSNP rs1282555629, ClinGen allele CA393750396.

ClinVar aggregate classification (germline): Uncertain significance (1 of 4 stars; one submission).

Conditions:
Fanconi anemia (FA). Also called: Fanconi's anemia. Identifiers: Orphanet 84, MedGen C0015625, MeSH D005199, MONDO:0019391.

Allele frequency attached by ClinVar (database versions not stated): TOPMed below 0.00001; gnomAD 0.00001.
gnomAD v4.1: 1 of 1,614,046 alleles (0.000062%); highest among the groups gnomAD compares: Non-Finnish European, 0.000085%; no homozygotes.

Submission:

Labcorp Genetics (formerly Invitae), Labcorp
Classification: Uncertain significance for Fanconi anemia. Last evaluated: 2021-01-30. Review status: criteria provided, single submitter. Criteria: Invitae Variant Classification Sherloc (09022015). Collection method: clinical testing. Allele origin: germline.
Comment: In summary, the available evidence is currently insufficient to determine the role of this variant in disease. Therefore, it has been classified as a Variant of Uncertain Significance. Algorithms developed to predict the effect of missense changes on protein structure and function (SIFT, PolyPhen-2, Align-GVGD) all suggest that this variant is likely to be tolerated, but these predictions have not been confirmed by published functional studies and their clinical significance is uncertain. This variant has not been reported in the literature in individuals with FANCI-related conditions. This variant is not present in population databases (ExAC no frequency). This sequence change replaces methionine with isoleucine at codon 807 of the FANCI protein (p.Met807Ile). The methionine residue is moderately conserved and there is a small physicochemical difference between methionine and isoleucine.